The following is an entry in ClinVar:

NM_000257.4(MYH7):c.484T>A (p.Tyr162Asn)

Gene: MYH7 (myosin heavy chain 7; minus strand). Cytogenetic location: 14q11.2.
Variant type: single nucleotide variant.
Coding change: c.484T>A on transcript NM_000257.4 (MANE Select); coding-DNA position 484, T replaced by A.
Protein change: p.Tyr162Asn; replaces tyrosine 162 with asparagine.
Molecular consequence: missense variant.
Genome position (GRCh38, 1-based): chr14:23,432,657, A>T on the plus strand (T>A on the coding strand, the complement: MYH7 is on the minus strand). VCF-style: chr14-23432657-A-T. GRCh37 (hg19) VCF-style: chr14-23901866-A-T.
Other names: c.484T>A, p.Tyr162Asn (NM_001407004.1); short protein forms Y162N.
Identifiers: ClinVar variation 4699149 (VCV004699149.1).
Genomic context (GRCh38, chr14:23,432,657, plus strand): 5'-TATCCCAGTTCCCTTCAGGAAGACCCTTCCAGGGCCTCTCACCTGTCAGCATGTACTGAT[A>T]GGCGTTGTCGGAGATGGAGAAGATGTGGGGCGGGGCCTCGCTCCTCTTCTTGCCCCGGTA-3'
Protein context (NP_000248.2, residues 152-172): PHIFSISDNA[Tyr162Asn]QYMLTDRENQ

ClinVar aggregate classification (germline): Uncertain significance (1 of 4 stars; one submission).

Conditions:
Hypertrophic cardiomyopathy. Also called: HYPERTROPHIC MYOCARDIOPATHY. Identifiers: Orphanet 217569, MedGen C0007194, MeSH D002312, MONDO:0005045, HP:0001639.

Submission:

Labcorp Genetics (formerly Invitae), Labcorp
Classification: Uncertain significance for Hypertrophic cardiomyopathy. Last evaluated: 2025-11-03. Review status: criteria provided, single submitter. Criteria: Invitae Variant Classification Sherloc (09022015). Collection method: clinical testing. Allele origin: germline.
Comment: This sequence change replaces tyrosine, which is neutral and polar, with asparagine, which is neutral and polar, at codon 162 of the MYH7 protein (p.Tyr162Asn). This variant is not present in population databases (gnomAD no frequency). This variant has not been reported in the literature in individuals affected with MYH7-related conditions. Invitae Evidence Modeling of protein sequence and biophysical properties (such as structural, functional, and spatial information, amino acid conservation, physicochemical variation, residue mobility, and thermodynamic stability) indicates that this missense variant is expected to disrupt MYH7 protein function with a positive predictive value of 95%. This variant disrupts the p.Tyr162 amino acid residue in MYH7. Other variant(s) that disrupt this residue have been determined to be pathogenic (PMID: 9172070; internal data). This suggests that this residue is clinically significant, and that variants that disrupt this residue are likely to be disease-causing. In summary, the available evidence is currently insufficient to determine the role of this variant in disease. Therefore, it has been classified as a Variant of Uncertain Significance.

Literature cited by the submitters: PubMed 9172070.